The following is an entry in ClinVar:

NM_000016.6(ACADM):c.942del (p.Glu315fs)

Gene: ACADM (acyl-CoA dehydrogenase medium chain; plus strand). Cytogenetic location: 1p31.1.
Variant type: Deletion.
Coding change: c.942del on transcript NM_000016.6 (MANE Select); coding-DNA position 942, one base deleted (A; older notation c.942delA).
Protein change: p.Glu315fs; shifts the reading frame from glutamic acid 315.
Molecular consequence: frameshift variant.
Genome position (GRCh38, 1-based): chr1:75,750,543, A deleted. VCF-style (leftmost placement, unchanged base first): chr1-75750542-TA-T. GRCh37 (hg19) VCF-style: chr1-76216227-TA-T.
Other names: c.954del, p.Glu319fs (NM_001127328.3); c.834del, p.Glu279fs (NM_001286042.2); c.1041del, p.Glu348fs (NM_001286043.2); c.375del, p.Glu126fs (NM_001286044.2); short protein forms E126fs, E348fs, E315fs, E279fs, E319fs.
Identifiers: ClinVar variation 5004878 (VCV005004878.1).

ClinVar aggregate classification (germline): Pathogenic (1 of 4 stars; one submission).

Conditions:
Medium-chain acyl-coenzyme A dehydrogenase deficiency (ACADMD). Also called: CARNITINE DEFICIENCY SECONDARY TO MEDIUM-CHAIN ACYL-CoA DEHYDROGENASE DEFICIENCY; MCADH DEFICIENCY; Medium chain acyl-CoA dehydrogenase deficiency; MCADD; ACADM DEFICIENCY; MCAD Deficiency. Identifiers: Orphanet 42, MedGen C0220710, MONDO:0008721, OMIM 201450.

Submission:

Myriad Genetics, Inc.
Classification: Pathogenic for Medium-chain acyl-coenzyme A dehydrogenase deficiency. Last evaluated: 2026-09-01. Review status: criteria provided, single submitter. Criteria: Myriad Autosomal Dominant, Autosomal Recessive and X-Linked Classification Criteria (2023). Collection method: clinical testing. Allele origin: unknown.
Comment: NM_000016.4(ACADM):c.942delA(E315Sfs*14) is a frameshift variant classified as pathogenic in the context of medium-chain acyl-CoA dehydrogenase deficiency. E315Sfs*14 has not been observed in cases with relevant disease. Relevant functional assessments of this variant are not available in the literature. E315Sfs*14 has not been observed in referenced population frequency databases. In summary, NM_000016.4(ACADM):c.942delA(E315Sfs*14) is a frameshift variant in a gene where loss of function is a known mechanism of disease and is predicted to disrupt protein function. Please note: this variant was assessed in the context of healthy population screening.